The following is an entry in ClinVar:

NC_000001.11:g.237610838A>G

Gene: RYR2 (ryanodine receptor 2; plus strand). Cytogenetic location: 1q43.
Variant type: single nucleotide variant.
Genome position: GRCh38 VCF-style: chr1-237610838-A-G. GRCh37 (hg19) VCF-style: chr1-237774138-A-G.
Other names: c.4760A>G, p.His1587Arg (LRG_402t1); c.4760A>G (NM_001035.3).
Identifiers: ClinVar variation 167628 (VCV000167628.15), dbSNP rs727504133, ClinGen allele CA009681.

ClinVar aggregate classification (germline): Uncertain significance. Review status: criteria provided, multiple submitters, no conflicts (2 of 4 stars). 3 submissions from 3 submitters: Uncertain significance (3). Last evaluated 2022-05-26.

Conditions:
Catecholaminergic polymorphic ventricular tachycardia 1. Also called: RYR2-Related Catecholaminergic Polymorphic Ventricular Tachycardia; VENTRICULAR TACHYCARDIA, STRESS-INDUCED POLYMORPHIC 1; VENTRICULAR TACHYCARDIA, CATECHOLAMINERGIC POLYMORPHIC, 1, WITH OR WITHOUT ATRIAL DYSFUNCTION AND/OR DILATED CARDIOMYOPATHY. Identifiers: Orphanet 3286, MedGen C1631597, MONDO:0011484, OMIM 604772.

Allele frequency attached by ClinVar (database versions not stated): gnomAD exomes below 0.00001.
gnomAD v4.1: 1 of 1,613,132 alleles (0.000062%); highest among the groups gnomAD compares: Admixed American, 0.0017%; no homozygotes.

Submissions (3):

Labcorp Genetics (formerly Invitae), Labcorp
Classification: Uncertain significance for Catecholaminergic polymorphic ventricular tachycardia 1. Last evaluated: 2022-05-26. Review status: criteria provided, single submitter. Criteria: Invitae Variant Classification Sherloc (09022015). Collection method: clinical testing. Allele origin: germline.
Comment: This sequence change replaces histidine, which is basic and polar, with arginine, which is basic and polar, at codon 1587 of the RYR2 protein (p.His1587Arg). This variant is not present in population databases (gnomAD no frequency). This variant has not been reported in the literature in individuals affected with RYR2-related conditions. ClinVar contains an entry for this variant (Variation ID: 167628). Advanced modeling of protein sequence and biophysical properties (such as structural, functional, and spatial information, amino acid conservation, physicochemical variation, residue mobility, and thermodynamic stability) performed at Invitae indicates that this missense variant is not expected to disrupt RYR2 protein function. In summary, the available evidence is currently insufficient to determine the role of this variant in disease. Therefore, it has been classified as a Variant of Uncertain Significance.

Revvity Omics, Revvity
Classification: Uncertain significance. Last evaluated: 2021-04-13. Review status: criteria provided, single submitter. Criteria: ACMG Guidelines, 2015. Collection method: clinical testing. Allele origin: germline.

Eurofins Ntd Llc (ga)
Classification: Uncertain significance. Last evaluated: 2014-02-10. Review status: criteria provided, single submitter. Criteria: EGL Classification Definitions 2015. Collection method: clinical testing. Allele origin: germline. Observed: 1 variant allele, 1 heterozygote.